The following is an entry in ClinVar:

NM_006767.4(LZTR1):c.1835T>C (p.Ile612Thr)

Gene: LZTR1 (leucine zipper like post translational regulator 1; plus strand). Cytogenetic location: 22q11.21.
Variant type: single nucleotide variant.
Coding change: c.1835T>C on transcript NM_006767.4 (MANE Select); coding-DNA position 1835, T replaced by C.
Protein change: p.Ile612Thr; replaces isoleucine 612 with threonine.
Molecular consequence: missense variant.
Genome position (GRCh38, 1-based): chr22:20,994,919, T>C. VCF-style: chr22-20994919-T-C. GRCh37 (hg19) VCF-style: chr22-21349208-T-C.
Other names: short protein forms I612T.
Identifiers: ClinVar variation 4101871 (VCV004101871.1).

ClinVar aggregate classification (germline): Uncertain significance (1 of 4 stars; one submission).

Conditions:
Cardiovascular phenotype. Identifiers: MedGen CN230736.
Hereditary cancer-predisposing syndrome. Also called: Tumor predisposition; Neoplastic Syndromes, Hereditary; Hereditary neoplastic syndrome; Hereditary Cancer Syndrome. Identifiers: Orphanet 140162, MedGen C0027672, MeSH D009386, MONDO:0015356.

Submission:

Ambry Genetics
Classification: Uncertain significance for Cardiovascular phenotype; Hereditary cancer-predisposing syndrome. Last evaluated: 2025-06-23. Review status: criteria provided, single submitter. Criteria: Ambry Variant Classification Scheme 2023. Collection method: clinical testing. Allele origin: germline.
Comment: The p.I612T variant (also known as c.1835T>C), located in coding exon 16 of the LZTR1 gene, results from a T to C substitution at nucleotide position 1835. The isoleucine at codon 612 is replaced by threonine, an amino acid with similar properties. This amino acid position is conserved. In addition, the in silico prediction for this alteration is inconclusive. Based on the available evidence, the clinical significance of this variant remains unclear.